The following is an entry in ClinVar:

ClinVar aggregate classification (germline): Uncertain significance. Review status: criteria provided, multiple submitters, no conflicts (2 of 4 stars). 2 submissions from 2 submitters: Uncertain significance (2). Last evaluated 2025-02-17.

Conditions:
Nephronophthisis-like nephropathy 1 (NPHPL1). Identifiers: Orphanet 655, MedGen C3150419, MONDO:0013163, OMIM 613159.

Allele frequency attached by ClinVar (database versions not stated): TOPMed 0.00002; gnomAD 0.00003 and 0.00004; gnomAD exomes 0.00004 and 0.00006; ExAC 0.00007.
gnomAD v4.1: 74 of 1,613,770 alleles (0.0046%); highest among the groups gnomAD compares: Middle Eastern, 0.016%; no homozygotes.

Submissions (2):

Labcorp Genetics (formerly Invitae), Labcorp
Classification: Uncertain significance for Nephronophthisis-like nephropathy 1. Last evaluated: 2025-02-17. Review status: criteria provided, single submitter. Criteria: Invitae Variant Classification Sherloc (09022015). Collection method: clinical testing. Allele origin: germline.
Comment: This sequence change replaces asparagine, which is neutral and polar, with serine, which is neutral and polar, at codon 350 of the XPNPEP3 protein (p.Asn350Ser). This variant is present in population databases (rs768828532, gnomAD 0.02%). This variant has not been reported in the literature in individuals affected with XPNPEP3-related conditions. ClinVar contains an entry for this variant (Variation ID: 341671). An algorithm developed to predict the effect of missense changes on protein structure and function outputs the following: PolyPhen-2: "Benign". The serine amino acid residue is found in multiple mammalian species, which suggests that this missense change does not adversely affect protein function. In summary, the available evidence is currently insufficient to determine the role of this variant in disease. Therefore, it has been classified as a Variant of Uncertain Significance.

Illumina Laboratory Services, Illumina
Classification: Uncertain significance for Nephronophthisis-like nephropathy 1. Last evaluated: 2018-01-13. Review status: criteria provided, single submitter. Criteria: ICSL Variant Classification Criteria 13 December 2019. Collection method: clinical testing. Allele origin: germline.

NM_022098.4(XPNPEP3):c.1049A>G (p.Asn350Ser)

Gene: XPNPEP3 (X-prolyl aminopeptidase 3; plus strand). Cytogenetic location: 22q13.2.
Variant type: single nucleotide variant.
Coding change: c.1049A>G on transcript NM_022098.4 (MANE Select); coding-DNA position 1049, A replaced by G.
Protein change: p.Asn350Ser; replaces asparagine 350 with serine.
Molecular consequence: missense variant.
Genome position (GRCh38, 1-based): chr22:40,914,318, A>G. VCF-style: chr22-40914318-A-G. GRCh37 (hg19) VCF-style: chr22-41310322-A-G.
Other names: short protein forms N350S.
Identifiers: ClinVar variation 341671 (VCV000341671.13), dbSNP rs768828532, ClinGen allele CA10251842.